The following is an entry in ClinVar:

NM_000077.5(CDKN2A):c.148C>T (p.Gln50Ter)

Gene: CDKN2A (cyclin dependent kinase inhibitor 2A; minus strand). Cytogenetic location: 9p21.3.
Variant type: single nucleotide variant.
Coding change: c.148C>T on transcript NM_000077.5; coding-DNA position 148, C replaced by T.
Protein change: p.Gln50Ter; replaces glutamine 50 with a stop codon.
Molecular consequence: nonsense (on NM_000077.6). On other transcripts: intron variant (2).
Genome position (GRCh38, 1-based): chr9:21,974,680, G>A on the plus strand (C>T on the coding strand, the complement: CDKN2A is on the minus strand). VCF-style: chr9-21974680-G-A. GRCh37 (hg19) VCF-style: chr9-21974679-G-A.
Other names: c.148C>T, p.Gln50Ter (NM_000077.6, NM_001195132.2, NM_058197.5); c.-3-3472C>T (NM_001363763.2); c.194-3472C>T (NM_058195.4); short protein forms Q50*.
Identifiers: ClinVar variation 220711 (VCV000220711.17), dbSNP rs864622636, ClinGen allele CA350345.

ClinVar aggregate classification (germline): Pathogenic. Review status: criteria provided, multiple submitters, no conflicts (2 of 4 stars). 5 submissions from 5 submitters: Pathogenic (5). Last evaluated 2025-10-09.
ClinVar aggregate classification (oncogenicity): Oncogenic (1 of 4 stars; one submission).

Conditions:
Melanoma and neural system tumor syndrome. Also called: MELANOMA-ASTROCYTOMA SYNDROME. Identifiers: Orphanet 252206, MedGen C1835042, MONDO:0007967, OMIM 155755.
Melanoma-pancreatic cancer syndrome. Identifiers: Orphanet 404560, MedGen C1838547, MONDO:0011713, OMIM 606719. Disease mechanism: loss of function.
Familial melanoma. Also called: Hereditary melanoma; Hereditary cutaneous melanoma. Identifiers: Orphanet 618, MedGen C1512419, MONDO:0018961.
Hereditary cancer-predisposing syndrome. Also called: Tumor predisposition; Neoplastic Syndromes, Hereditary; Hereditary Cancer Syndrome; Hereditary neoplastic syndrome. Identifiers: Orphanet 140162, MedGen C0027672, MeSH D009386, MONDO:0015356.
Neoplasm. Also called: tumor; Neoplasms; Neoplasm (disease). Identifiers: MedGen C0027651, MeSH D009369, MONDO:0005070, HP:0002664.

Submissions (13):

Ambry Genetics
Classification: Pathogenic for Hereditary cancer-predisposing syndrome. Last evaluated: 2025-10-09. Review status: criteria provided, single submitter. Criteria: Ambry Variant Classification Scheme 2023. Collection method: clinical testing. Allele origin: germline.
Comment: The p.Q50* pathogenic mutation (also known as c.148C>T), located in coding exon 1 of the CDKN2A gene, results from a C to T substitution at nucleotide position 148. This changes the amino acid from a glutamine to a stop codon within coding exon 1. In an assay testing CDKN2A function, this variant showed a functionally abnormal result (Parry D et al. Mol. Cell. Biol. 1996 Jul;16:3844-52). This variant is considered to be rare based on population cohorts in the Genome Aggregation Database (gnomAD). This alteration is expected to result in loss of function by premature protein truncation or nonsense-mediated mRNA decay. As such, this alteration is interpreted as a disease-causing mutation.

Myriad Genetics, Inc.
Classification: Pathogenic for Melanoma-pancreatic cancer syndrome. Last evaluated: 2025-08-14. Review status: criteria provided, single submitter. Criteria: Myriad Autosomal Dominant, Autosomal Recessive and X-Linked Classification Criteria (2023). Collection method: clinical testing. Allele origin: unknown.
Comment: This variant is considered pathogenic. This variant creates a termination codon and is predicted to result in premature protein truncation.

Center for Genomic Medicine, Rigshospitalet, Copenhagen University Hospital
Classification: Oncogenic for Neoplasm. Last evaluated: 2025-03-04. Review status: criteria provided, single submitter. Criteria: ClinGen/CGC/VICC Guidelines for Oncogenicity, 2022. Collection method: clinical testing. Allele origin: somatic. Affected: yes.

Labcorp Genetics (formerly Invitae), Labcorp
Classification: Pathogenic for Familial melanoma. Last evaluated: 2023-05-15. Review status: criteria provided, single submitter. Criteria: Invitae Variant Classification Sherloc (09022015). Collection method: clinical testing. Allele origin: germline.
Comment: This variant is not present in population databases (gnomAD no frequency). For these reasons, this variant has been classified as Pathogenic. ClinVar contains an entry for this variant (Variation ID: 220711). This variant is also known as 50Q>X. This premature translational stop signal has been observed in individual(s) with pancreatic cancer and melanoma (PMID: 12454511, 18983535, 25356972, 25877891). This sequence change creates a premature translational stop signal (p.Gln50*) in the CDKN2A (p16INK4a) gene. It is expected to result in an absent or disrupted protein product. Loss-of-function variants in CDKN2A (p16INK4a) are known to be pathogenic (PMID: 15146471, 16905682).

Baylor Genetics
Classification: Pathogenic for Melanoma and neural system tumor syndrome. Last evaluated: 2023-02-08. Review status: criteria provided, single submitter. Criteria: ACMG Guidelines, 2015. Collection method: clinical testing. Allele origin: unknown.

GeneDx
Classification: Pathogenic. Last evaluated: 2016-05-23. Review status: criteria provided, single submitter. Criteria: GeneDx Variant Classification (06012015). Collection method: clinical testing. Allele origin: germline. Affected: yes.
Comment: This variant is denoted CDKN2A c.148C>T at the cDNA level and p.Gln50Ter (Q50X) at the protein level. The substitution creates a nonsense variant, which changes a Glutamine to a premature stop codon (CAG>TAG), and is predicted to cause loss of normal protein function through either protein truncation or nonsense-mediated mRNA decay. Consistent with predictions, Parry et al (1996) demonstrated via Cdk binding assays that this variant results in a truncated protein that is unable to bind to CDK2, CDK4, or CDK6. Based on currently available evidence, we consider this variant pathogenic.

Dr. Peter K. Rogan Lab, Western University
No classification provided (evidence only). Condition: Melanoma. Review status: no classification provided. Collection method: in vitro. Allele origin: not applicable. Functional consequence: retained intron. Not counted in ClinVar's aggregate classification.

Dr. Peter K. Rogan Lab, Western University
No classification provided (evidence only). Condition: Melanoma. Review status: no classification provided. Collection method: in vitro. Allele origin: not applicable. Functional consequence: retained intron. Not counted in ClinVar's aggregate classification.

Dr. Peter K. Rogan Lab, Western University
No classification provided (evidence only). Condition: Melanoma. Review status: no classification provided. Collection method: in vitro. Allele origin: not applicable. Functional consequence: retained intron. Not counted in ClinVar's aggregate classification.

Dr. Peter K. Rogan Lab, Western University
No classification provided (evidence only). Condition: Melanoma. Review status: no classification provided. Collection method: in vitro. Allele origin: not applicable. Functional consequence: retained intron. Not counted in ClinVar's aggregate classification.

Dr. Peter K. Rogan Lab, Western University
No classification provided (evidence only). Condition: Pancreatic adenocarcinoma. Review status: no classification provided. Collection method: in vitro. Allele origin: not applicable. Functional consequence: retained intron. Not counted in ClinVar's aggregate classification.

Dr. Peter K. Rogan Lab, Western University
No classification provided (evidence only). Condition: Gastric cancer. Review status: no classification provided. Collection method: in vitro. Allele origin: not applicable. Functional consequence: retained intron. Not counted in ClinVar's aggregate classification.

Dr. Peter K. Rogan Lab, Western University
No classification provided (evidence only). Condition: Gastric cancer. Review status: no classification provided. Collection method: in vitro. Allele origin: not applicable. Functional consequence: retained intron. Not counted in ClinVar's aggregate classification.

Literature cited by the submitters: PubMed 12454511 (cited by Ambry Genetics and Labcorp Genetics (formerly Invitae), Labcorp); PubMed 18983535 (cited by Ambry Genetics and Labcorp Genetics (formerly Invitae), Labcorp); PubMed 25356972 (cited by Ambry Genetics and Labcorp Genetics (formerly Invitae), Labcorp); PubMed 8668202 (cited by Ambry Genetics and Center for Genomic Medicine, Rigshospitalet, Copenhagen University Hospital); PubMed 25877891 (cited by Labcorp Genetics (formerly Invitae), Labcorp); PubMed 15146471 (cited by Labcorp Genetics (formerly Invitae), Labcorp); PubMed 16905682 (cited by Labcorp Genetics (formerly Invitae), Labcorp).